The following is an entry in ClinVar:

NM_001080467.3(MYO5B):c.*2240A>C

Genes: SNHG22 (small nucleolar RNA host gene 22; plus strand), MYO5B (myosin VB; minus strand). Cytogenetic location: 18q21.1.
Variant type: single nucleotide variant.
Coding change: c.*2240A>C on transcript NM_001080467.3 (MANE Select); 2240 bases downstream of the stop codon, A replaced by C.
Molecular consequence: 3 prime UTR variant.
Genome position (GRCh38, 1-based): chr18:49,824,231, T>G on the plus strand (A>C on the coding strand, the complement: MYO5B is on the minus strand). VCF-style: chr18-49824231-T-G. GRCh37 (hg19) VCF-style: chr18-47350601-T-G.
Identifiers: ClinVar variation 326948 (VCV000326948.6), dbSNP rs607552, ClinGen allele CA10647695.

ClinVar aggregate classification (germline): Benign. Review status: criteria provided, multiple submitters, no conflicts (2 of 4 stars). 2 submissions from 2 submitters: Benign (2). Last evaluated 2018-01-12.

Conditions:
Congenital microvillous atrophy (DIAR2). Also called: DAVIDSON DISEASE; MICROVILLUS ATROPHY, CONGENITAL; Microvillus inclusion disease; Diarrhea 2 with microvillus atrophy, with or without cholestasis; CONGENITAL FAMILIAL PROTRACTED DIARRHEA WITH ENTEROCYTE BRUSH-BORDER ABNORMALITIES. Identifiers: Orphanet 2290, MedGen C0341306, MONDO:0009635, OMIM 251850.

Allele frequency attached by ClinVar (database versions not stated): 1000 Genomes Project 30x 0.29247; 1000 Genomes Project 0.33606; TOPMed 0.42414.

Submissions (2):

Illumina Laboratory Services, Illumina
Classification: Benign for Congenital microvillous atrophy. Last evaluated: 2018-01-12. Review status: criteria provided, single submitter. Criteria: ICSL Variant Classification Criteria 13 December 2019. Collection method: clinical testing. Allele origin: germline.
Comment: This variant was observed in the ICSL laboratory as part of a predisposition screen in an ostensibly healthy population. It had not been previously curated by ICSL or reported in the Human Gene Mutation Database (HGMD: prior to June 1st, 2018), and was therefore a candidate for classification through an automated scoring system. Utilizing variant allele frequency, disease prevalence and penetrance estimates, and inheritance mode, an automated score was calculated to assess if this variant is too frequent to cause the disease. Based on the score and internal cut-off values, a variant classified as benign is not then subjected to further curation. The score for this variant resulted in a classification of benign for this disease.

Breakthrough Genomics
Classification: Benign. Review status: criteria provided, single submitter. Criteria: ACMG Guidelines, 2015. Collection method: not provided. Allele origin: germline. Inheritance: Autosomal recessive inheritance. Affected: yes.